The following is an entry in ClinVar:

ClinVar aggregate classification (germline): Uncertain significance (1 of 4 stars; one submission).

Submission:

GeneDx
Classification: Uncertain significance. Last evaluated: 2023-12-27. Review status: criteria provided, single submitter. Criteria: GeneDx Variant Classification Process June 2021. Collection method: clinical testing. Allele origin: germline. Affected: yes.
Comment: Not observed at significant frequency in large population cohorts (gnomAD); In silico analysis supports that this missense variant has a deleterious effect on protein structure/function; Has not been previously published as pathogenic or benign to our knowledge

NM_001394062.1(MACF1):c.21444G>C (p.Met7148Ile)

Gene: MACF1 (microtubule actin crosslinking factor 1; plus strand). Cytogenetic location: 1p34.3.
Variant type: single nucleotide variant.
Coding change: c.21444G>C on transcript NM_001394062.1 (MANE Select); coding-DNA position 21444, G replaced by C.
Protein change: p.Met7148Ile; replaces methionine 7148 with isoleucine.
Molecular consequence: missense variant.
Genome position (GRCh38, 1-based): chr1:39,460,715, G>C. VCF-style: chr1-39460715-G-C. GRCh37 (hg19) VCF-style: chr1-39926387-G-C.
Other names: c.9522G>C, p.Met3174Ile (NM_001397473.1); c.15267G>C, p.Met5089Ile (NM_012090.5); short protein forms M3174I, M5089I, M7148I.
Identifiers: ClinVar variation 3370276 (VCV003370276.1).